The following is an entry in ClinVar:

NM_018847.4(KLHL9):c.1044T>C (p.Phe348=)

Gene: KLHL9 (kelch like family member 9; minus strand). Cytogenetic location: 9p21.3.
Variant type: single nucleotide variant.
Coding change: c.1044T>C on transcript NM_018847.4 (MANE Select); coding-DNA position 1044, T replaced by C.
Protein change: p.Phe348=; no amino-acid change (phenylalanine 348 retained).
Molecular consequence: synonymous variant.
Genome position (GRCh38, 1-based): chr9:21,333,816, A>G on the plus strand (T>C on the coding strand, the complement: KLHL9 is on the minus strand). VCF-style: chr9-21333816-A-G. GRCh37 (hg19) VCF-style: chr9-21333815-A-G.
Identifiers: ClinVar variation 4777705 (VCV004777705.1).

ClinVar aggregate classification (germline): Uncertain significance (1 of 4 stars; one submission).

Submission:

Labcorp Genetics (formerly Invitae), Labcorp
Classification: Uncertain significance. Last evaluated: 2025-06-10. Review status: criteria provided, single submitter. Criteria: Invitae Variant Classification Sherloc (09022015). Collection method: clinical testing. Allele origin: germline.
Comment: This sequence change affects codon 348 of the KLHL9 mRNA. It is a 'silent' change, meaning that it does not change the encoded amino acid sequence of the KLHL9 protein. This variant is not present in population databases (gnomAD no frequency). This variant has not been reported in the literature in individuals affected with KLHL9-related conditions. In summary, the available evidence is currently insufficient to determine the role of this variant in disease. Therefore, it has been classified as a Variant of Uncertain Significance.